The following is an entry in ClinVar:

ClinVar aggregate classification (germline): Uncertain significance (1 of 4 stars; one submission).

Conditions:
46 XY differences of sex development. Also called: 46, XY disorder of sex development (DSD); 46,XY disorder of sex development. Identifiers: Orphanet 98085, MedGen C2751824, MONDO:0020040.
Oligosynaptic infertility (SPGF1). Also called: SPERMATOGENIC FAILURE 1; OLIGOCHIASMATIC INFERTILITY. Identifiers: MedGen C0403810, MONDO:0009776, OMIM 258150.

Submission:

Labcorp Genetics (formerly Invitae), Labcorp
Classification: Uncertain significance for 46 XY differences of sex development; Oligosynaptic infertility. Last evaluated: 2025-06-12. Review status: criteria provided, single submitter. Criteria: Invitae Variant Classification Sherloc (09022015). Collection method: clinical testing. Allele origin: germline.
Comment: This sequence change replaces lysine, which is basic and polar, with asparagine, which is neutral and polar, at codon 38 of the NR5A1 protein (p.Lys38Asn). This variant is not present in population databases (gnomAD no frequency). This variant has not been reported in the literature in individuals affected with NR5A1-related conditions. Invitae Evidence Modeling of protein sequence and biophysical properties (such as structural, functional, and spatial information, amino acid conservation, physicochemical variation, residue mobility, and thermodynamic stability) indicates that this missense variant is expected to disrupt NR5A1 protein function with a positive predictive value of 95%. In summary, the available evidence is currently insufficient to determine the role of this variant in disease. Therefore, it has been classified as a Variant of Uncertain Significance.

NM_004959.5(NR5A1):c.114G>T (p.Lys38Asn)

Gene: NR5A1 (nuclear receptor subfamily 5 group A member 1; minus strand). Cytogenetic location: 9q33.3.
Variant type: single nucleotide variant.
Coding change: c.114G>T on transcript NM_004959.5 (MANE Select); coding-DNA position 114, G replaced by T.
Protein change: p.Lys38Asn; replaces lysine 38 with asparagine.
Molecular consequence: missense variant.
Genome position (GRCh38, 1-based): chr9:124,503,209, C>A on the plus strand (G>T on the coding strand, the complement: NR5A1 is on the minus strand). VCF-style: chr9-124503209-C-A. GRCh37 (hg19) VCF-style: chr9-127265488-C-A.
Other names: short protein forms K38N.
Identifiers: ClinVar variation 4783651 (VCV004783651.1).